The following is an entry in ClinVar:

ClinVar aggregate classification (germline): Uncertain significance (1 of 4 stars; one submission).

Conditions:
Cardiovascular phenotype. Identifiers: MedGen CN230736.

Allele frequency attached by ClinVar (database versions not stated): gnomAD exomes below 0.00001.
gnomAD v4.1: 1 of 1,601,318 alleles (0.000062%); highest among the groups gnomAD compares: South Asian, 0.0011%; no homozygotes.

Submission:

Ambry Genetics
Classification: Uncertain significance for Cardiovascular phenotype. Last evaluated: 2021-08-10. Review status: criteria provided, single submitter. Criteria: Ambry Variant Classification Scheme 2023. Collection method: clinical testing. Allele origin: germline.
Comment: The p.I2847V variant (also known as c.8539A>G), located in coding exon 33 of the AKAP9 gene, results from an A to G substitution at nucleotide position 8539. The isoleucine at codon 2847 is replaced by valine, an amino acid with highly similar properties. This amino acid position is conserved. In addition, this alteration is predicted to be tolerated by in silico analysis. Since supporting evidence is limited at this time, the clinical significance of this alteration remains unclear.

NM_005751.5(AKAP9):c.8539A>G (p.Ile2847Val)

Gene: AKAP9 (A-kinase anchoring protein 9; plus strand). Cytogenetic location: 7q21.2.
Variant type: single nucleotide variant.
Coding change: c.8539A>G on transcript NM_005751.5 (MANE Select); coding-DNA position 8539, A replaced by G.
Protein change: p.Ile2847Val; replaces isoleucine 2847 with valine.
Molecular consequence: missense variant.
Genome position (GRCh38, 1-based): chr7:92,083,548, A>G. VCF-style: chr7-92083548-A-G. GRCh37 (hg19) VCF-style: chr7-91712862-A-G.
Other names: c.3184A>G, p.Ile1062Val (NM_001379277.1); c.8515A>G, p.Ile2839Val (NM_147185.3); short protein forms I2839V, I2847V, I1062V.
Identifiers: ClinVar variation 1763777 (VCV001763777.2), dbSNP rs2535259214, ClinGen allele CA368139601.